The following is an entry in ClinVar:

ClinVar aggregate classification (germline): Uncertain significance. Review status: criteria provided, multiple submitters, no conflicts (2 of 4 stars). 5 submissions from 5 submitters: Uncertain significance (4). 1 of the submissions does not count toward it. Last evaluated 2025-05-03.

Conditions:
Inborn genetic diseases. Identifiers: MedGen C0950123, MeSH D030342.
Fanconi anemia complementation group G. Also called: FANCG-Related Fanconi Anemia; Fanconi anemia group G. Identifiers: Orphanet 84, MedGen C3469527, MONDO:0013565, OMIM 614082.
Fanconi anemia (FA). Also called: Fanconi's anemia. Identifiers: Orphanet 84, MedGen C0015625, MeSH D005199, MONDO:0019391.

Submissions (5):

Labcorp Genetics (formerly Invitae), Labcorp
Classification: Uncertain significance for Fanconi anemia. Last evaluated: 2025-05-03. Review status: criteria provided, single submitter. Criteria: Invitae Variant Classification Sherloc (09022015). Collection method: clinical testing. Allele origin: germline.
Comment: This sequence change replaces proline, which is neutral and non-polar, with alanine, which is neutral and non-polar, at codon 385 of the FANCG protein (p.Pro385Ala). This variant is not present in population databases (gnomAD no frequency). This variant has not been reported in the literature in individuals affected with FANCG-related conditions. ClinVar contains an entry for this variant (Variation ID: 583119). Invitae Evidence Modeling of protein sequence and biophysical properties (such as structural, functional, and spatial information, amino acid conservation, physicochemical variation, residue mobility, and thermodynamic stability) indicates that this missense variant is not expected to disrupt FANCG protein function with a negative predictive value of 80%. Algorithms developed to predict the effect of sequence changes on RNA splicing suggest that this variant may create or strengthen a splice site. In summary, the available evidence is currently insufficient to determine the role of this variant in disease. Therefore, it has been classified as a Variant of Uncertain Significance.

Ambry Genetics
Classification: Uncertain significance for Inborn genetic diseases. Last evaluated: 2025-04-18. Review status: criteria provided, single submitter. Criteria: Ambry Variant Classification Scheme 2023. Collection method: clinical testing. Allele origin: germline.
Comment: The p.P385A variant (also known as c.1153C>G), located in coding exon 10 of the FANCG gene, results from a C to G substitution at nucleotide position 1153. The proline at codon 385 is replaced by alanine, an amino acid with highly similar properties. This amino acid position is conserved. In addition, this alteration is predicted to be tolerated by in silico analysis. Based on the available evidence, the clinical significance of this variant remains unclear.

Fulgent Genetics
Classification: Uncertain significance for Fanconi anemia complementation group G. Last evaluated: 2024-06-17. Review status: criteria provided, single submitter. Criteria: ACMG Guidelines, 2015. Collection method: clinical testing. Allele origin: germline.

Genetic Services Laboratory, University of Chicago
Classification: Uncertain significance. Last evaluated: 2023-09-06. Review status: criteria provided, single submitter. Criteria: ACMG Guidelines, 2015. Collection method: clinical testing. Allele origin: germline. Affected: no.
Comment: DNA sequence analysis of the FANCG gene demonstrated a sequence change, c.1153C>G, in exon 10 that results in an amino acid change, p.Pro385Ala. This sequence change does not appear to have been previously described in individuals with FANCG-related disorders and has also not been described in population databases such as ExAC and gnomAD. The p.Pro385Ala change affects a moderately conserved amino acid residue located in a domain of the FANCG protein that is not known to be functional. The p.Pro385Ala substitution appears to be benign using several in-silico pathogenicity prediction tools (SIFT, PolyPhen2, Align GVGD, REVEL). Due to insufficient evidence and the lack of functional studies, the clinical significance of the p.Pro385Ala change remains unknown at this time.

Natera, Inc.
Classification: Uncertain significance for Fanconi anemia group G. Last evaluated: 2020-01-24. Review status: no assertion criteria provided. Collection method: clinical testing. Allele origin: germline. Not counted in ClinVar's aggregate classification.

NM_004629.2(FANCG):c.1153C>G (p.Pro385Ala)

Gene: FANCG (FA complementation group G; minus strand). Cytogenetic location: 9p13.3.
Variant type: single nucleotide variant.
Coding change: c.1153C>G on transcript NM_004629.2 (MANE Select); coding-DNA position 1153, C replaced by G.
Protein change: p.Pro385Ala; replaces proline 385 with alanine.
Molecular consequence: missense variant.
Genome position (GRCh38, 1-based): chr9:35,075,745, G>C on the plus strand (C>G on the coding strand, the complement: FANCG is on the minus strand). VCF-style: chr9-35075745-G-C. GRCh37 (hg19) VCF-style: chr9-35075742-G-C.
Other names: short protein forms P385A.
Identifiers: ClinVar variation 583119 (VCV000583119.14), dbSNP rs1288516919, ClinGen allele CA373309671.